The following is an entry in ClinVar:

NM_018699.4(PRDM5):c.1444-186T>C

Gene: PRDM5 (PR/SET domain 5; minus strand). Cytogenetic location: 4q27.
Variant type: single nucleotide variant.
Coding change: c.1444-186T>C on transcript NM_018699.4 (MANE Select); 186 bases into the intron before coding-DNA position 1444, T replaced by C.
Molecular consequence: intron variant.
Genome position (GRCh38, 1-based): chr4:120,777,467, A>G on the plus strand (T>C on the coding strand, the complement: PRDM5 is on the minus strand). VCF-style: chr4-120777467-A-G. GRCh37 (hg19) VCF-style: chr4-121698622-A-G.
Other names: c.1351-186T>C (NM_001300824.2, NM_001379106.1, NM_001300823.2); c.1477-186T>C (NM_001379104.1).
Identifiers: ClinVar variation 677904 (VCV000677904.1), dbSNP rs1511302, ClinGen allele CA105117184.

ClinVar aggregate classification (germline): Likely benign (1 of 4 stars; one submission).

Allele frequency attached by ClinVar (database versions not stated): gnomAD 0.04976 and 0.05272; TOPMed 0.06019; 1000 Genomes Project 30x 0.08979; 1000 Genomes Project 0.09046.

Submission:

GeneDx
Classification: Likely benign. Last evaluated: 2018-06-14. Review status: criteria provided, single submitter. Criteria: GeneDx Variant Classification (06012015). Collection method: clinical testing. Allele origin: germline. Affected: yes.
Comment: This variant is considered likely benign or benign based on one or more of the following criteria: it is a conservative change, it occurs at a poorly conserved position in the protein, it is predicted to be benign by multiple in silico algorithms, and/or has population frequency not consistent with disease.